The following is an entry in ClinVar:

NM_006939.4(SOS2):c.791C>G (p.Thr264Arg)

Gene: SOS2 (SOS Ras/Rho guanine nucleotide exchange factor 2; minus strand). Cytogenetic location: 14q21.3.
Variant type: single nucleotide variant.
Coding change: c.791C>G on transcript NM_006939.4 (MANE Select); coding-DNA position 791, C replaced by G.
Protein change: p.Thr264Arg; replaces threonine 264 with arginine.
Molecular consequence: missense variant.
Genome position (GRCh38, 1-based): chr14:50,182,530, G>C on the plus strand (C>G on the coding strand, the complement: SOS2 is on the minus strand). VCF-style: chr14-50182530-G-C. GRCh37 (hg19) VCF-style: chr14-50649248-G-C.
Other names: c.791C>G (NM_006939.3); short protein forms T264R.
Identifiers: ClinVar variation 974590 (VCV000974590.3), dbSNP rs1595001710, ClinGen allele CA389647735.

ClinVar aggregate classification (germline): Pathogenic. Review status: criteria provided, multiple submitters, no conflicts (2 of 4 stars). 3 submissions from 3 submitters: Pathogenic (2). 1 of the submissions does not count toward it. Last evaluated 2023-07-17.

Conditions:
Noonan syndrome 9 (NS9). Identifiers: Orphanet 648, MedGen C4225282, MONDO:0014691, OMIM 616559.
Noonan syndrome (NS). Also called: Noonan's syndrome. Identifiers: Orphanet 648, MedGen C0028326, MeSH D009634, MONDO:0018997. Disease mechanism: gain of function.

Submissions (3):

Victorian Clinical Genetics Services, Murdoch Childrens Research Institute
Classification: Pathogenic for Noonan syndrome 9. Last evaluated: 2023-07-17. Review status: criteria provided, single submitter. Criteria: ACMG Guidelines, 2015. Collection method: clinical testing. Allele origin: germline. Inheritance: Autosomal dominant inheritance. Affected: yes.
Comment: Based on the classification scheme VCGS_Germline_v1.3.4, this variant is classified as Pathogenic. Following criteria are met: 0101 - Gain of function is a known mechanism of disease in this gene and is associated with Noonan syndrome 9 (MIM#616559). Variants in this gene result in enhanced activation of the RAF-MEK-ERK signaling cascade (PMID: 26173643). (I) 0107 - This gene is associated with autosomal dominant disease. (I) 0200 - Variant is predicted to result in a missense amino acid change from threonine to arginine. (I) 0251 - This variant is heterozygous. (I) 0301 - Variant is absent from gnomAD (both v2 and v3). (SP) 0501 - Missense variant consistently predicted to be damaging by multiple in silico tools or highly conserved with a major amino acid change. (SP) 0602 - Variant is located in a hotspot region or cluster of pathogenic variants. This variant affects one of the three most commonly affected residues within the RhoGEF domain (DECIPHER). (SP) 0801 - This variant has strong previous evidence of pathogenicity in unrelated individuals. This variant has been reported as de novo in two individuals with a RASopathy, and observed in another individual with unknown inheritance (ClinVar, PMID: 32788663). (SP) 0905 - No published segregation evidence has been identified for this variant. (I) 1007 - No published functional evidence has been identified for this variant. (SP) Legend: (SP) - Supporting pathogenic, (I) - Information, (SB) - Supporting benign

Department of Human Genetics, University Hospital Magdeburg
Classification: Pathogenic for Noonan syndrome 9. Last evaluated: 2020-07-02. Review status: criteria provided, single submitter. Criteria: ClinGen's RASopathy Expert Panel Guidelines, 2018. Collection method: clinical testing. Allele origin: de novo. Inheritance: Autosomal dominant inheritance. Affected: yes. Observed: 2 variant alleles.
Comment: This variant was identified de novo (PM2). It is absent from gnomAD (PM2). Variants at the analogous position in SOS1 (c.797C>A and c.796_797delinsTT) have been classified as pathogenic (PM5_Strong).

Service de Génétique Moléculaire, Hôpital Robert Debré
Classification: Likely pathogenic for Noonan syndrome. Review status: no assertion criteria provided. Collection method: clinical testing. Allele origin: de novo. Affected: yes. Not counted in ClinVar's aggregate classification.

Literature cited by the submitters: PubMed 26173643 (cited by Victorian Clinical Genetics Services, Murdoch Childrens Research Institute); PubMed 32788663 (cited by Victorian Clinical Genetics Services, Murdoch Childrens Research Institute).